The following is an entry in ClinVar:

ClinVar aggregate classification (germline): Uncertain significance (1 of 4 stars; one submission).

gnomAD v4.1: 2 of 1,589,524 alleles (0.00013%); highest among the groups gnomAD compares: African/African-American, 0.0027%; no homozygotes.

Submission:

Labcorp Genetics (formerly Invitae), Labcorp
Classification: Uncertain significance. Last evaluated: 2025-06-12. Review status: criteria provided, single submitter. Criteria: Invitae Variant Classification Sherloc (09022015). Collection method: clinical testing. Allele origin: germline.
Comment: This sequence change replaces serine, which is neutral and polar, with cysteine, which is neutral and slightly polar, at codon 72 of the STAT4 protein (p.Ser72Cys). This variant is not present in population databases (gnomAD no frequency). This variant has not been reported in the literature in individuals affected with STAT4-related conditions. Invitae Evidence Modeling of protein sequence and biophysical properties (such as structural, functional, and spatial information, amino acid conservation, physicochemical variation, residue mobility, and thermodynamic stability) indicates that this missense variant is not expected to disrupt STAT4 protein function with a negative predictive value of 80%. In summary, the available evidence is currently insufficient to determine the role of this variant in disease. Therefore, it has been classified as a Variant of Uncertain Significance.

NM_003151.4(STAT4):c.215C>G (p.Ser72Cys)

Gene: STAT4 (signal transducer and activator of transcription 4; minus strand). Cytogenetic location: 2q32.3.
Variant type: single nucleotide variant.
Coding change: c.215C>G on transcript NM_003151.4 (MANE Select); coding-DNA position 215, C replaced by G.
Protein change: p.Ser72Cys; replaces serine 72 with cysteine.
Molecular consequence: missense variant.
Genome position (GRCh38, 1-based): chr2:191,146,671, G>C on the plus strand (C>G on the coding strand, the complement: STAT4 is on the minus strand). VCF-style: chr2-191146671-G-C. GRCh37 (hg19) VCF-style: chr2-192011397-G-C.
Other names: c.215C>G, p.Ser72Cys (NM_001243835.2); short protein forms S72C.
Identifiers: ClinVar variation 4767809 (VCV004767809.1).
Genomic context (GRCh38, chr2:191,146,671, plus strand): 5'-ACCTGAAGGACCTTCCTAATTCTTTTTAGATTGTGTATCAAGAGTAGGTTTTTCTCTTTG[G>C]AAACACGACCTAACTGTTCATCCAGTTGTATTAACAAGTTTTGAAGAAGAATCGTTGCCA-3'
Protein context (NP_003142.1, residues 62-82): IQLDEQLGRV[Ser72Cys]KEKNLLLIHN